The following is an entry in ClinVar:

ClinVar aggregate classification (germline): Pathogenic (1 of 4 stars; one submission).

Conditions:
Hereditary breast ovarian cancer syndrome. Also called: Hereditary breast and ovarian cancer; Hereditary breast and ovarian cancer syndrome (HBOC); BRCA1- and BRCA2-Associated Hereditary Breast and Ovarian Cancer; Hereditary breast and ovarian cancer syndrome; Hereditary breast and/or ovarian cancer syndrome; Breast and ovarian cancer. Identifiers: Orphanet 145, MedGen C0677776, MeSH D061325, MONDO:0003582. Disease mechanism: loss of function.

Submission:

Labcorp Genetics (formerly Invitae), Labcorp
Classification: Pathogenic for Hereditary breast and ovarian cancer syndrome. Last evaluated: 2018-09-18. Review status: criteria provided, single submitter. Criteria: Invitae Variant Classification Sherloc (09022015). Collection method: clinical testing. Allele origin: germline.
Comment: This sequence change is an SVA-mediated insertion in exon 10 of the BRCA1 mRNA (c.3108_3109insSVA), causing a frameshift at codon 1037 (p.Lys1037fs). The exact size and sequence of the insertion cannot be determined by the current assay. However, the insertion is expected to result in an absent or disrupted protein product. Retrotransposon insertions including LINE1 (L1), Alu, and SVA (SINE-VNTR-Alu) have been reported to be disease-causing through disruption of either a coding region or splice site (PMID:Â¬â€ 19763152,Â¬â€ 20307669,Â¬â€ 22406018). Although this variant has not been reported in the literature, loss-of-function variants in BRCA1 are known to be pathogenic (PMID:Â¬â€ 20104584). For these reasons, this variant has been classified as Pathogenic.

NM_007294.3(BRCA1):c.3108_3109insSVAelement

Gene: BRCA1 (BRCA1 DNA repair associated; minus strand). Cytogenetic location: 17q21.31.
Variant type: Insertion.
Coding change: c.3108_3109insSVAelement on transcript NM_007294.3; coding-DNA positions 3108 to 3109, an insertion.
Other names: NM_007294.3:c.3108_3109insSVA.
Identifiers: ClinVar variation 639676 (VCV000639676.1).